The following is an entry in ClinVar:

ClinVar aggregate classification (germline): Uncertain significance (1 of 4 stars; one submission).

Submission:

Labcorp Genetics (formerly Invitae), Labcorp
Classification: Uncertain significance. Last evaluated: 2024-11-05. Review status: criteria provided, single submitter. Criteria: Invitae Variant Classification Sherloc (09022015). Collection method: clinical testing. Allele origin: germline.
Comment: This sequence change replaces serine, which is neutral and polar, with isoleucine, which is neutral and non-polar, at codon 1249 of the TUBGCP6 protein (p.Ser1249Ile). This variant is not present in population databases (gnomAD no frequency). This variant has not been reported in the literature in individuals affected with TUBGCP6-related conditions. ClinVar contains an entry for this variant (Variation ID: 1491733). An algorithm developed to predict the effect of missense changes on protein structure and function (PolyPhen-2) suggests that this variant is likely to be disruptive. In summary, the available evidence is currently insufficient to determine the role of this variant in disease. Therefore, it has been classified as a Variant of Uncertain Significance.

NM_020461.4(TUBGCP6):c.3746G>T (p.Ser1249Ile)

Gene: TUBGCP6 (tubulin gamma complex component 6; minus strand). Cytogenetic location: 22q13.33.
Variant type: single nucleotide variant.
Coding change: c.3746G>T on transcript NM_020461.4 (MANE Select); coding-DNA position 3746, G replaced by T.
Protein change: p.Ser1249Ile; replaces serine 1249 with isoleucine.
Molecular consequence: missense variant.
Genome position (GRCh38, 1-based): chr22:50,220,613, C>A on the plus strand (G>T on the coding strand, the complement: TUBGCP6 is on the minus strand). VCF-style: chr22-50220613-C-A. GRCh37 (hg19) VCF-style: chr22-50659042-C-A.
Other names: short protein forms S1249I.
Identifiers: ClinVar variation 1491733 (VCV001491733.6), dbSNP rs2147177576, ClinGen allele CA412180315.
Genomic context (GRCh38, chr22:50,220,613, plus strand): 5'-TGGGTGTTCCACCGTGGCCGGGTGGAAACCACATCCGACACAGGCTCCCCCAAGCTGATG[C>A]TGGCGTCGGACACGTGTCCATGGGTGTTGCACCGTGACCGGATGGGAGCCACGTCCGATA-3'
Protein context (NP_065194.3, residues 1239-1259): CNTHGHVSDA[Ser1249Ile]ISLGEPVSDV